The following is an entry in ClinVar:

NM_000321.3(RB1):c.853A>G (p.Ile285Val)

Gene: RB1 (RB transcriptional corepressor 1; plus strand). Cytogenetic location: 13q14.2.
Variant type: single nucleotide variant.
Coding change: c.853A>G on transcript NM_000321.3 (MANE Select); coding-DNA position 853, A replaced by G.
Protein change: p.Ile285Val; replaces isoleucine 285 with valine.
Molecular consequence: missense variant.
Genome position (GRCh38, 1-based): chr13:48,362,949, A>G. VCF-style: chr13-48362949-A-G. GRCh37 (hg19) VCF-style: chr13-48937085-A-G.
Other names: short protein forms I285V.
Identifiers: ClinVar variation 644773 (VCV000644773.11), dbSNP rs1593445228, ClinGen allele CA388159691.

ClinVar aggregate classification (germline): Uncertain significance. Review status: criteria provided, multiple submitters, no conflicts (2 of 4 stars). 2 submissions from 2 submitters: Uncertain significance (2). Last evaluated 2025-10-15.

Conditions:
Hereditary cancer-predisposing syndrome. Also called: Hereditary Cancer Syndrome; Tumor predisposition; Hereditary neoplastic syndrome; Neoplastic Syndromes, Hereditary. Identifiers: Orphanet 140162, MedGen C0027672, MeSH D009386, MONDO:0015356.
Retinoblastoma (RB1). Also called: RETINOBLASTOMA, SOMATIC. Identifiers: Orphanet 790, MedGen C0035335, MeSH D012175, MONDO:0008380, OMIM 180200, HP:0009919. Disease mechanism: loss of function. Inheritance: Both sporadic and heritable forms are tested..

Allele frequency attached by ClinVar (database versions not stated): gnomAD exomes below 0.00001.
gnomAD v4.1: 1 of 1,612,632 alleles (0.000062%); highest among the groups gnomAD compares: East Asian, 0.0022%; no homozygotes.

Submissions (2):

Labcorp Genetics (formerly Invitae), Labcorp
Classification: Uncertain significance for Retinoblastoma. Last evaluated: 2025-10-15. Review status: criteria provided, single submitter. Criteria: Invitae Variant Classification Sherloc (09022015). Collection method: clinical testing. Allele origin: germline.
Comment: This sequence change replaces isoleucine, which is neutral and non-polar, with valine, which is neutral and non-polar, at codon 285 of the RB1 protein (p.Ile285Val). This variant is not present in population databases (gnomAD no frequency). This variant has not been reported in the literature in individuals affected with RB1-related conditions. ClinVar contains an entry for this variant (Variation ID: 644773). Invitae Evidence Modeling of protein sequence and biophysical properties (such as structural, functional, and spatial information, amino acid conservation, physicochemical variation, residue mobility, and thermodynamic stability) indicates that this missense variant is not expected to disrupt RB1 protein function with a negative predictive value of 80%. In summary, the available evidence is currently insufficient to determine the role of this variant in disease. Therefore, it has been classified as a Variant of Uncertain Significance.

Ambry Genetics
Classification: Uncertain significance for Hereditary cancer-predisposing syndrome. Last evaluated: 2023-02-28. Review status: criteria provided, single submitter. Criteria: Ambry Variant Classification Scheme 2023. Collection method: clinical testing. Allele origin: germline.
Comment: The p.I285V variant (also known as c.853A>G), located in coding exon 8 of the RB1 gene, results from an A to G substitution at nucleotide position 853. The isoleucine at codon 285 is replaced by valine, an amino acid with highly similar properties. This amino acid position is well conserved in available vertebrate species. In addition, this alteration is predicted to be tolerated by in silico analysis. Since supporting evidence is limited at this time, the clinical significance of this alteration remains unclear.